The following is an entry in ClinVar:

NM_001148.6(ANK2):c.3379+4C>A

Gene: ANK2 (ankyrin 2; plus strand). Cytogenetic location: 4q26.
Variant type: single nucleotide variant.
Coding change: c.3379+4C>A on transcript NM_001148.6 (MANE Select); 4 bases into the intron after coding-DNA position 3379, C replaced by A.
Molecular consequence: intron variant.
Genome position (GRCh38, 1-based): chr4:113,333,212, C>A. VCF-style: chr4-113333212-C-A. GRCh37 (hg19) VCF-style: chr4-114254368-C-A.
Other names: c.3364+4C>A (NM_001386186.2, NM_001386148.2); c.3166+4C>A (NM_001354269.3); c.3244+4C>A (NM_001386187.2); c.3238+4C>A (NM_001386147.1, NM_001354261.2); c.3223+4C>A (NM_001386160.1); c.3328+4C>A (NM_001354254.2); c.3349+4C>A (NM_001354239.2, NM_001354252.2); c.3250+4C>A (NM_001354272.2); and 28 more.
Identifiers: ClinVar variation 377476 (VCV000377476.7), dbSNP rs752152002, ClinGen allele CA3050828.

ClinVar aggregate classification (germline): Conflicting classifications of pathogenicity. Review status: criteria provided, conflicting classifications (1 of 4 stars). 3 submissions from 3 submitters: Uncertain significance (2); Benign (1). Last evaluated 2026-01-06.

Conditions:
Cardiovascular phenotype. Identifiers: MedGen CN230736.
Long QT syndrome (LQTS). Identifiers: MedGen C0023976, MeSH D008133, MONDO:0002442. Disease mechanism: loss of function. Inheritance: Various modes of inheritance.

Allele frequency attached by ClinVar (database versions not stated): TOPMed 0.00002.
gnomAD v4.1: 32 of 1,613,908 alleles (0.002%); highest among the groups gnomAD compares: Non-Finnish European, 0.0025%; no homozygotes.

Submissions (3):

Labcorp Genetics (formerly Invitae), Labcorp
Classification: Uncertain significance for Long QT syndrome. Last evaluated: 2026-01-06. Review status: criteria provided, single submitter. Criteria: Invitae Variant Classification Sherloc (09022015). Collection method: clinical testing. Allele origin: germline.
Comment: This sequence change falls in intron 29 of the ANK2 gene. It does not directly change the encoded amino acid sequence of the ANK2 protein. It affects a nucleotide within the consensus splice site. This variant is present in population databases (rs752152002, gnomAD 0.008%). This variant has not been reported in the literature in individuals affected with ANK2-related conditions. ClinVar contains an entry for this variant (Variation ID: 377476). Variants that disrupt the consensus splice site are a relatively common cause of aberrant splicing (PMID: 17576681, 9536098). Algorithms developed to predict the effect of sequence changes on RNA splicing suggest that this variant is not likely to affect RNA splicing. In summary, the available evidence is currently insufficient to determine the role of this variant in disease. Therefore, it has been classified as a Variant of Uncertain Significance.

Ambry Genetics
Classification: Uncertain significance for Cardiovascular phenotype. Last evaluated: 2020-10-02. Review status: criteria provided, single submitter. Criteria: Ambry Variant Classification Scheme 2023. Collection method: clinical testing. Allele origin: germline.
Comment: The c.3379+4C>A intronic variant results from a C to A substitution 4 nucleotides after coding exon 29 in the ANK2 gene. This nucleotide position is not well conserved in available vertebrate species. In silico splice site analysis predicts that this alteration will not have any significant effect on splicing. Since supporting evidence is limited at this time, the clinical significance of this alteration remains unclear.

GeneDx
Classification: Benign. Last evaluated: 2015-06-12. Review status: criteria provided, single submitter. Criteria: GeneDx Variant Classification (06012015). Collection method: clinical testing. Allele origin: germline. Affected: yes.
Comment: This variant is considered likely benign or benign based on one or more of the following criteria: it is a conservative change, it occurs at a poorly conserved position in the protein, it is predicted to be benign by multiple in silico algorithms, and/or has population frequency not consistent with disease.

Literature cited by the submitters: PubMed 17576681 (cited by Labcorp Genetics (formerly Invitae), Labcorp); PubMed 9536098 (cited by Labcorp Genetics (formerly Invitae), Labcorp).